The following is an entry in ClinVar:

ClinVar aggregate classification (germline): Uncertain significance (1 of 4 stars; one submission).

Allele frequency attached by ClinVar (database versions not stated): gnomAD exomes 0.00001; gnomAD 0.00003; TOPMed 0.00003; ESP Exome Variant Server 0.00015; ExAC 0.00002.
gnomAD v4.1: 11 of 1,613,534 alleles (0.00068%); highest among the groups gnomAD compares: African/African-American, 0.0053%; no homozygotes.

Submission:

Labcorp Genetics (formerly Invitae), Labcorp
Classification: Uncertain significance. Last evaluated: 2025-11-12. Review status: criteria provided, single submitter. Criteria: Invitae Variant Classification Sherloc (09022015). Collection method: clinical testing. Allele origin: germline.
Comment: This sequence change replaces glycine, which is neutral and non-polar, with serine, which is neutral and polar, at codon 542 of the C3 protein (p.Gly542Ser). This variant is present in population databases (rs375626292, gnomAD 0.01%). This variant has not been reported in the literature in individuals affected with C3-related conditions. ClinVar contains an entry for this variant (Variation ID: 2898470). Invitae Evidence Modeling of protein sequence and biophysical properties (such as structural, functional, and spatial information, amino acid conservation, physicochemical variation, residue mobility, and thermodynamic stability) indicates that this missense variant is not expected to disrupt C3 protein function with a negative predictive value of 80%. In summary, the available evidence is currently insufficient to determine the role of this variant in disease. Therefore, it has been classified as a Variant of Uncertain Significance.

NM_000064.4(C3):c.1624G>A (p.Gly542Ser)

Gene: C3 (complement C3; minus strand). Cytogenetic location: 19p13.3.
Variant type: single nucleotide variant.
Coding change: c.1624G>A on transcript NM_000064.4 (MANE Select); coding-DNA position 1624, G replaced by A.
Protein change: p.Gly542Ser; replaces glycine 542 with serine.
Molecular consequence: missense variant.
Genome position (GRCh38, 1-based): chr19:6,710,701, C>T on the plus strand (G>A on the coding strand, the complement: C3 is on the minus strand). VCF-style: chr19-6710701-C-T. GRCh37 (hg19) VCF-style: chr19-6710712-C-T.
Other names: short protein forms G542S.
Identifiers: ClinVar variation 2898470 (VCV002898470.3), dbSNP rs375626292, ClinGen allele CA9129392.